The following is an entry in ClinVar:

ClinVar aggregate classification (germline): Uncertain significance (1 of 4 stars; one submission).

Submission:

Dasa
Classification: Uncertain significance. Last evaluated: 2026-03-04. Review status: criteria provided, single submitter. Criteria: DASA Assertion Criteria. Collection method: clinical testing. Allele origin: germline.
Comment: NM_002335.4(LRP5):c.3512A>G (p.Asp1171Gly) is a missense variant that results in the substitution of aspartic acid with glycine. This variant is absent from population databases. Computational prediction algorithms are consistent with a deleterious effect. The currently available literature and clinical evidence are not sufficient to establish a definitive association between this variant and the reported condition. Therefore, this variant is classified as a variant of uncertain significance.

NM_002335.4(LRP5):c.3512A>G (p.Asp1171Gly)

Gene: LRP5 (LDL receptor related protein 5; plus strand). Cytogenetic location: 11q13.2.
Variant type: single nucleotide variant.
Coding change: c.3512A>G on transcript NM_002335.4 (MANE Select); coding-DNA position 3512, A replaced by G.
Protein change: p.Asp1171Gly; replaces aspartic acid 1171 with glycine.
Molecular consequence: missense variant.
Genome position (GRCh38, 1-based): chr11:68,426,062, A>G. VCF-style: chr11-68426062-A-G. GRCh37 (hg19) VCF-style: chr11-68193530-A-G.
Other names: c.1769A>G, p.Asp590Gly (NM_001291902.2); short protein forms D1171G, D590G.
Identifiers: ClinVar variation 4885675 (VCV004885675.2).